The following is an entry in ClinVar:

ClinVar aggregate classification (germline): Uncertain significance (1 of 4 stars; one submission).

Submission:

CeGaT Center for Human Genetics Tuebingen
Classification: Uncertain significance. Last evaluated: 2024-02-01. Review status: criteria provided, single submitter. Criteria: CeGaT Center For Human Genetics Tuebingen Variant Classification Criteria Version 2. Collection method: clinical testing. Allele origin: germline. Affected: yes. Observed: 1 variant allele.
Comment: C4A: PM2, BP4

NM_007293.3(C4A):c.3200C>A (p.Ala1067Glu)

Gene: C4A (complement C4A (Chido/Rodgers blood group); plus strand). Cytogenetic location: 6p21.33.
Variant type: single nucleotide variant.
Coding change: c.3200C>A on transcript NM_007293.3 (MANE Select); coding-DNA position 3200, C replaced by A.
Protein change: p.Ala1067Glu; replaces alanine 1067 with glutamic acid.
Molecular consequence: missense variant.
Genome position (GRCh38, 1-based): chr6:31,995,764, C>A. VCF-style: chr6-31995764-C-A. GRCh37 (hg19) VCF-style: chr6-31963541-C-A.
Other names: c.3200C>A, p.Ala1067Glu (NM_001252204.2); short protein forms A1067E.
Identifiers: ClinVar variation 3025907 (VCV003025907.22), dbSNP rs747757875, ClinGen allele CA363539979.